The following is an entry in ClinVar:

NM_020134.4(DPYSL5):c.139G>A (p.Gly47Arg)

Gene: DPYSL5 (dihydropyrimidinase like 5; plus strand). Cytogenetic location: 2p23.3.
Variant type: single nucleotide variant.
Coding change: c.139G>A on transcript NM_020134.4 (MANE Select); coding-DNA position 139, G replaced by A.
Protein change: p.Gly47Arg; replaces glycine 47 with arginine.
Molecular consequence: missense variant.
Genome position (GRCh38, 1-based): chr2:26,898,638, G>A. VCF-style: chr2-26898638-G-A. GRCh37 (hg19) VCF-style: chr2-27121506-G-A.
Other names: c.139G>A, p.Gly47Arg (NM_001253723.2, NM_001253724.2); short protein forms G47R.
Identifiers: ClinVar variation 632587 (VCV000632587.5), dbSNP rs1558337060, ClinGen allele CA346143508.
Genomic context (GRCh38, chr2:26,898,638, plus strand): 5'-GACGTCTACATCGAGAATGGCATCATCCAGCAGGTGGGCCGCGAGCTCATGATCCCTGGC[G>A]GGGCCAAGGTGATTGATGCCACAGGAAAACTGGTGATCCCTGGTGGCATCGACACCAGCA-3'
Protein context (NP_064519.2, residues 37-57): QVGRELMIPG[Gly47Arg]AKVIDATGKL

ClinVar aggregate classification (germline): Uncertain significance. Review status: criteria provided, single submitter (1 of 4 stars). 4 submissions from 4 submitters: Uncertain significance (1). 3 of the submissions do not count toward it. Last evaluated 2024-11-20.

Conditions:
Ritscher-Schinzel syndrome 4. Identifiers: MedGen C5561939, MONDO:0030331, OMIM 619435.
Ritscher-Schinzel syndrome 1 (RTSC1). Identifiers: Orphanet 7, MedGen C4551776, MONDO:0009073, OMIM 220210.
Syndrome with a Dandy-Walker malformation as major feature. Identifiers: Orphanet 269546, MedGen C5680766, MONDO:0017121.
Dandy-Walker syndrome (DWS). Identifiers: Orphanet 217, MedGen C0010964, MeSH D003616, MONDO:0009072, OMIM 220200.

Allele frequency attached by ClinVar (database versions not stated): gnomAD exomes below 0.00001.

Submissions (4):

Women's Health and Genetics/Laboratory Corporation of America, LabCorp
Classification: Uncertain significance. Last evaluated: 2024-11-20. Review status: criteria provided, single submitter. Criteria: LabCorp Variant Classification Summary - May 2015. Collection method: clinical testing. Allele origin: germline.
Comment: Variant summary: DPYSL5 c.139G>A (p.Gly47Arg) results in a non-conservative amino acid change located in the D-HYD domain (IPR011778) of the encoded protein sequence. Five of five in-silico tools predict a damaging effect of the variant on protein function. The variant was absent in 251466 control chromosomes. c.139G>A has been reported in a family affected with Dandy-Walker malformation (DWM) (originally described in Ritscher_1987). One of the sisters affected with DWM had this variant reported as de novo (Aldinger_2019), however this proband had a sibling affected with severe congenital heart defect that was not genotyped. Given the family history authors suspected gonadal mosaicism for inheritance (Jeanne_2022, Ritscher_1987). These data do not allow any conclusion about variant significance. At least one publication reports experimental evidence that this variant affects the normal function of the protein (Jeanne_ 2022). The following publications have been ascertained in the context of this evaluation (PMID: 31474318, 33894126, 3812597). ClinVar contains an entry for this variant (Variation ID: 632587). Based on the evidence outlined above, the variant was classified as VUS-possibly pathogenic.

OMIM
Classification: Pathogenic for RITSCHER-SCHINZEL SYNDROME 4. Last evaluated: 2021-07-22. Review status: no assertion criteria provided. Collection method: literature only. Allele origin: germline. Not counted in ClinVar's aggregate classification.

Dobyns Lab, Seattle Children's Research Institute
Classification: Uncertain significance for 3C syndrome; Syndrome with a Dandy-Walker malformation as major feature. Last evaluated: 2019-02-18. Review status: no assertion criteria provided. Collection method: research. Allele origin: germline. Affected: yes. Observed: 1 variant allele. Not counted in ClinVar's aggregate classification.

University of Washington Center for Mendelian Genomics, University of Washington
Classification: Uncertain significance for Dandy-Walker malformation. Review status: no assertion criteria provided. Collection method: research. Allele origin: de novo. Affected: yes. Not counted in ClinVar's aggregate classification.

Literature cited by the submitters: PubMed 31474318 (cited by 3 submitters); PubMed 33894126 (cited by Women's Health and Genetics/Laboratory Corporation of America, LabCorp and OMIM); PubMed 3812597 (cited by Women's Health and Genetics/Laboratory Corporation of America, LabCorp and OMIM).